The following is an entry in ClinVar:

NM_002693.3(POLG):c.1007C>T (p.Ala336Val)

Gene: POLG (DNA polymerase gamma, catalytic subunit; minus strand). Cytogenetic location: 15q26.1.
Variant type: single nucleotide variant.
Coding change: c.1007C>T on transcript NM_002693.3 (MANE Select); coding-DNA position 1007, C replaced by T.
Protein change: p.Ala336Val; replaces alanine 336 with valine.
Molecular consequence: missense variant.
Genome position (GRCh38, 1-based): chr15:89,328,959, G>A on the plus strand (C>T on the coding strand, the complement: POLG is on the minus strand). VCF-style: chr15-89328959-G-A. GRCh37 (hg19) VCF-style: chr15-89872190-G-A.
Other names: c.1007C>T, p.Ala336Val (NM_001126131.2); short protein forms A336V.
Identifiers: ClinVar variation 1967845 (VCV001967845.6), dbSNP rs2509261970, ClinGen allele CA393765393.

ClinVar aggregate classification (germline): Uncertain significance (1 of 4 stars; one submission).

Conditions:
Progressive sclerosing poliodystrophy (MTDPS4A). Also called: Mitochondrial DNA Depletion Syndrome 4A; Alpers-Huttenlocher Syndrome (AHS); Mitochondrial DNA depletion syndrome 4A (Alpers type); ALPERS PROGRESSIVE INFANTILE POLIODYSTROPHY; NEURONAL DEGENERATION OF CHILDHOOD WITH LIVER DISEASE, PROGRESSIVE; Alpers Syndrome. Identifiers: Orphanet 726, MedGen C0205710, MONDO:0008758, OMIM 203700.

Allele frequency attached by ClinVar (database versions not stated): gnomAD exomes below 0.00001.
gnomAD v4.1: 1 of 1,614,058 alleles (0.000062%); highest among the groups gnomAD compares: Non-Finnish European, 0.000085%; no homozygotes.

Submissions (2):

Labcorp Genetics (formerly Invitae), Labcorp
Classification: Uncertain significance for Progressive sclerosing poliodystrophy. Last evaluated: 2024-11-04. Review status: criteria provided, single submitter. Criteria: Invitae Variant Classification Sherloc (09022015). Collection method: clinical testing. Allele origin: germline.
Comment: This sequence change replaces alanine, which is neutral and non-polar, with valine, which is neutral and non-polar, at codon 336 of the POLG protein (p.Ala336Val). This variant is not present in population databases (gnomAD no frequency). This variant has not been reported in the literature in individuals affected with POLG-related conditions. ClinVar contains an entry for this variant (Variation ID: 1967845). Invitae Evidence Modeling of protein sequence and biophysical properties (such as structural, functional, and spatial information, amino acid conservation, physicochemical variation, residue mobility, and thermodynamic stability) indicates that this missense variant is not expected to disrupt POLG protein function with a negative predictive value of 95%. In summary, the available evidence is currently insufficient to determine the role of this variant in disease. Therefore, it has been classified as a Variant of Uncertain Significance.

Dr. Peter K. Rogan Lab, Western University
No classification provided (evidence only). Condition: Gastric cancer. Review status: no classification provided. Collection method: in vitro. Allele origin: not applicable. Functional consequence: retained intron. Not counted in ClinVar's aggregate classification.